The following is an entry in ClinVar:

NM_001394372.1(BICRA):c.4493C>T (p.Thr1498Ile)

Gene: BICRA (BRD4 interacting chromatin remodeling complex associated protein; plus strand). Cytogenetic location: 19q13.33.
Variant type: single nucleotide variant.
Coding change: c.4493C>T on transcript NM_001394372.1 (MANE Select); coding-DNA position 4493, C replaced by T.
Protein change: p.Thr1498Ile; replaces threonine 1498 with isoleucine.
Molecular consequence: missense variant.
Genome position (GRCh38, 1-based): chr19:47,702,225, C>T. VCF-style: chr19-47702225-C-T. GRCh37 (hg19) VCF-style: chr19-48205482-C-T.
Other names: c.4493C>T, p.Thr1498Ile (NM_015711.3); short protein forms T1498I.
Identifiers: ClinVar variation 3383765 (VCV003383765.1).

ClinVar aggregate classification (germline): Uncertain significance (1 of 4 stars; one submission).

Submission:

GeneDx
Classification: Uncertain significance. Last evaluated: 2024-05-30. Review status: criteria provided, single submitter. Criteria: GeneDx Variant Classification Process June 2021. Collection method: clinical testing. Allele origin: germline. Affected: yes.
Comment: Not observed at significant frequency in large population cohorts (gnomAD); In silico analysis indicates that this missense variant does not alter protein structure/function; Has not been previously published as pathogenic or benign to our knowledge